The following is an entry in ClinVar:

ClinVar aggregate classification (germline): Uncertain significance (1 of 4 stars; one submission).

Conditions:
ABCB4-related disorder. Also called: ABCB4-related disorders; ABCB4-related condition.

Submission:

PreventionGenetics, part of Exact Sciences
Classification: Uncertain significance for ABCB4-related condition. Last evaluated: 2024-11-06. Review status: criteria provided, single submitter. Criteria: ACMG Guidelines, 2015. Collection method: clinical testing. Allele origin: germline.
Comment: The ABCB4 c.938C>A variant is predicted to result in the amino acid substitution p.Ala313Glu. To our knowledge, this variant has not been reported in the literature or in a large population database (gnomAD), indicating this variant is rare. At this time, the clinical significance of this variant is uncertain due to the absence of conclusive functional and genetic evidence.

NM_000443.4(ABCB4):c.938C>A (p.Ala313Glu)

Gene: ABCB4 (ATP binding cassette subfamily B member 4; minus strand). Cytogenetic location: 7q21.12.
Variant type: single nucleotide variant.
Coding change: c.938C>A on transcript NM_000443.4 (MANE Select); coding-DNA position 938, C replaced by A.
Protein change: p.Ala313Glu; replaces alanine 313 with glutamic acid.
Molecular consequence: missense variant.
Genome position (GRCh38, 1-based): chr7:87,447,101, G>T on the plus strand (C>A on the coding strand, the complement: ABCB4 is on the minus strand). VCF-style: chr7-87447101-G-T. GRCh37 (hg19) VCF-style: chr7-87076417-G-T.
Other names: c.938C>A, p.Ala313Glu (NM_018849.3, NM_018850.3); short protein forms A313E.
Identifiers: ClinVar variation 4997886 (VCV004997886.1).